The following is an entry in ClinVar:

NM_001244950.2(SPOCK2):c.600C>T (p.Thr200=)

Gene: SPOCK2 (SPARC (osteonectin), cwcv and kazal like domains proteoglycan 2; minus strand). Cytogenetic location: 10q22.1.
Variant type: single nucleotide variant.
Coding change: c.600C>T on transcript NM_001244950.2 (MANE Select); coding-DNA position 600, C replaced by T.
Protein change: p.Thr200=; no amino-acid change (threonine 200 retained).
Molecular consequence: synonymous variant.
Genome position (GRCh38, 1-based): chr10:72,067,722, G>A on the plus strand (C>T on the coding strand, the complement: SPOCK2 is on the minus strand). VCF-style: chr10-72067722-G-A. GRCh37 (hg19) VCF-style: chr10-73827480-G-A.
Other names: c.600C>T, p.Thr200= (NM_014767.2).
Identifiers: ClinVar variation 2640575 (VCV002640575.24), dbSNP rs760125050, ClinGen allele CA5548502.

ClinVar aggregate classification (germline): Likely benign (1 of 4 stars; one submission).

Allele frequency attached by ClinVar (database versions not stated): gnomAD 0.00011; TOPMed 0.00019; ExAC 0.00035.
gnomAD v4.1: 277 of 1,613,120 alleles (0.017%); highest among the groups gnomAD compares: South Asian, 0.17%; no homozygotes.

Submission:

CeGaT Center for Human Genetics Tuebingen
Classification: Likely benign. Last evaluated: 2022-10-01. Review status: criteria provided, single submitter. Criteria: CeGaT Center For Human Genetics Tuebingen Variant Classification Criteria Version 2. Collection method: clinical testing. Allele origin: germline. Affected: yes. Observed: 1 variant allele.
Comment: SPOCK2: BP4, BP7